The following is an entry in ClinVar:

NM_000321.3(RB1):c.1162A>C (p.Ile388Leu)

Gene: RB1 (RB transcriptional corepressor 1; plus strand). Cytogenetic location: 13q14.2.
Variant type: single nucleotide variant.
Coding change: c.1162A>C on transcript NM_000321.3 (MANE Select); coding-DNA position 1162, A replaced by C.
Protein change: p.Ile388Leu; replaces isoleucine 388 with leucine.
Molecular consequence: missense variant.
Genome position (GRCh38, 1-based): chr13:48,373,439, A>C. VCF-style: chr13-48373439-A-C. GRCh37 (hg19) VCF-style: chr13-48947575-A-C.
Other names: c.1162A>C, p.Ile388Leu (NM_001407165.1, NM_001407166.1); short protein forms I388L.
Identifiers: ClinVar variation 1982537 (VCV001982537.4), dbSNP rs2542194936, ClinGen allele CA388161505.
Genomic context (GRCh38, chr13:48,373,439, plus strand): 5'-CATTTTCCTATTTTTATCCCCTCTAGGACTGTTATGAACACTATCCAACAATTAATGATG[A>C]TTTTAAATTCAGCAAGTGATCAACCTTCAGAAAATCTGATTTCCTATTTTAACGTAAGCC-3'
Protein context (NP_000312.2, residues 378-398): VMNTIQQLMM[Ile388Leu]LNSASDQPSE

ClinVar aggregate classification (germline): Uncertain significance (1 of 4 stars; one submission).

Conditions:
Retinoblastoma (RB1). Also called: RETINOBLASTOMA, SOMATIC. Identifiers: Orphanet 790, MedGen C0035335, MeSH D012175, MONDO:0008380, OMIM 180200, HP:0009919. Disease mechanism: loss of function. Inheritance: Both sporadic and heritable forms are tested..

Allele frequency attached by ClinVar (database versions not stated): gnomAD exomes below 0.00001.
gnomAD v4.1: 2 of 1,598,828 alleles (0.00013%); highest among the groups gnomAD compares: South Asian, 0.0022%; no homozygotes.

Submission:

Labcorp Genetics (formerly Invitae), Labcorp
Classification: Uncertain significance for Retinoblastoma. Last evaluated: 2022-09-20. Review status: criteria provided, single submitter. Criteria: Invitae Variant Classification Sherloc (09022015). Collection method: clinical testing. Allele origin: germline.
Comment: In summary, the available evidence is currently insufficient to determine the role of this variant in disease. Therefore, it has been classified as a Variant of Uncertain Significance. Advanced modeling of protein sequence and biophysical properties (such as structural, functional, and spatial information, amino acid conservation, physicochemical variation, residue mobility, and thermodynamic stability) performed at Invitae indicates that this missense variant is not expected to disrupt RB1 protein function. This variant has not been reported in the literature in individuals affected with RB1-related conditions. This variant is not present in population databases (gnomAD no frequency). This sequence change replaces isoleucine, which is neutral and non-polar, with leucine, which is neutral and non-polar, at codon 388 of the RB1 protein (p.Ile388Leu).